The following is an entry in ClinVar:

ClinVar aggregate classification (germline): Likely benign. Review status: criteria provided, multiple submitters, no conflicts (2 of 4 stars). 4 submissions from 4 submitters: Likely benign (4). Last evaluated 2025-12-30.

Conditions:
Loeys-Dietz syndrome 2 (LDS2). Also called: TGFBR2-Related Loeys-Dietz Syndrome; AORTIC ANEURYSM, FAMILIAL THORACIC 3; MARFAN SYNDROME, TYPE II; Marfan Syndrome type 2; Marfan like connective tissue disorder; MFS 2. Identifiers: Orphanet 284973, Orphanet 558, MedGen C2674574, MONDO:0012427, OMIM 610168.

Allele frequency attached by ClinVar (database versions not stated): TOPMed 0.00007; gnomAD exomes 0.00009; gnomAD 0.00022.
gnomAD v4.1: 86 of 1,509,426 alleles (0.0057%); highest among the groups gnomAD compares: Non-Finnish European, 0.0059%; no homozygotes.

Submissions (4):

Labcorp Genetics (formerly Invitae), Labcorp
Classification: Likely benign for Loeys-Dietz syndrome 2. Last evaluated: 2025-12-30. Review status: criteria provided, single submitter. Criteria: Invitae Variant Classification Sherloc (09022015). Collection method: clinical testing. Allele origin: germline.

GeneDx
Classification: Likely benign. Last evaluated: 2018-12-21. Review status: criteria provided, single submitter. Criteria: GeneDx Variant Classification Process June 2021. Collection method: clinical testing. Allele origin: germline. Affected: yes.

Ambry Genetics
Classification: Likely benign. Last evaluated: 2016-11-02. Review status: criteria provided, single submitter. Criteria: Ambry Variant Classification Scheme 2023. Collection method: clinical testing. Allele origin: germline.

Laboratory for Molecular Medicine, Mass General Brigham Personalized Medicine
Classification: Likely benign. Last evaluated: 2013-07-24. Review status: criteria provided, single submitter. Criteria: LMM Criteria. Collection method: clinical testing. Allele origin: germline. Observed: 1 variant allele.
Comment: Ala84Ala in exon 1 of TMPO: This variant is not expected to have clinical signif icance because it does not alter an amino acid residue and is not located within the splice consensus sequence. Ala84Ala in exon 1 of TMPO (allele frequency = n/a)

NM_001032283.3(TMPO):c.252G>T (p.Ala84=)

Genes: TMPO (thymopoietin; plus strand), TMPO-AS1 (TMPO antisense RNA 1; minus strand), LOC130008520 (ATAC-STARR-seq lymphoblastoid silent region 4752; plus strand). Cytogenetic location: 12q23.1.
Variant type: single nucleotide variant.
Coding change: c.252G>T on transcript NM_001032283.3 (MANE Select); coding-DNA position 252, G replaced by T.
Protein change: p.Ala84=; no amino-acid change (alanine 84 retained).
Molecular consequence: synonymous variant. On other transcripts: non-coding transcript variant (1).
Genome position (GRCh38, 1-based): chr12:98,516,119, G>T. VCF-style: chr12-98516119-G-T. GRCh37 (hg19) VCF-style: chr12-98909897-G-T.
Other names: c.252G>T, p.Ala84= (NM_001032284.3, NM_001307975.2, NM_003276.2).
Identifiers: ClinVar variation 179138 (VCV000179138.21), dbSNP rs727504659, ClinGen allele CA183794.
Genomic context (GRCh38, chr12:98,516,119, plus strand): 5'-CTTCTCCAGTGACGAAGAGCGCGAGCCCACCCCGGTCCTCGGCTCTGGGGCCGCCGCCGC[G>T]GGCCGGAGCCGAGCAGCCGTCGGCAGGGTAAGGACGCGGGGCCGGGGCTACAAAGGCGGG-3'
Protein context (NP_001027454.1, residues 74-94): TPVLGSGAAA[Ala84=]GRSRAAVGRK